The following is an entry in ClinVar:

NM_001267550.2(TTN):c.43093G>A (p.Glu14365Lys)

Gene: TTN (titin; minus strand). Cytogenetic location: 2q31.2.
Variant type: single nucleotide variant.
Coding change: c.43093G>A on transcript NM_001267550.2 (MANE Select); coding-DNA position 43093, G replaced by A.
Protein change: p.Glu14365Lys; replaces glutamic acid 14365 with lysine.
Molecular consequence: missense variant.
Genome position (GRCh38, 1-based): chr2:178,633,038, C>T on the plus strand (G>A on the coding strand, the complement: TTN is on the minus strand). VCF-style: chr2-178633038-C-T. GRCh37 (hg19) VCF-style: chr2-179497765-C-T.
Other names: c.38170G>A, p.Glu12724Lys (NM_001256850.1); c.15898G>A, p.Glu5300Lys (NM_003319.4); c.35389G>A, p.Glu11797Lys (NM_133378.4); c.16273G>A, p.Glu5425Lys (NM_133432.3); c.16474G>A, p.Glu5492Lys (NM_133437.4); short protein forms E11797K, E12724K, E14365K, E5300K, E5425K, E5492K.
Identifiers: ClinVar variation 3253408 (VCV003253408.1), dbSNP rs1302907540.

ClinVar aggregate classification (germline): Uncertain significance (1 of 4 stars; one submission).

Allele frequency attached by ClinVar (database versions not stated): TOPMed below 0.00001; gnomAD exomes 0.00001.
gnomAD v4.1: 8 of 1,612,824 alleles (0.0005%); highest among the groups gnomAD compares: Non-Finnish European, 0.00068%; no homozygotes.

Submission:

GeneDx
Classification: Uncertain significance. Last evaluated: 2023-10-20. Review status: criteria provided, single submitter. Criteria: GeneDx Variant Classification Process June 2021. Collection method: clinical testing. Allele origin: germline. Affected: yes.
Comment: Not observed at significant frequency in large population cohorts (gnomAD); Missense variant in a gene in which most reported pathogenic variants are truncating/loss of function; Has not been previously published as pathogenic or benign to our knowledge; This variant is associated with the following publications: (PMID: 27625338, 27869827)